The following is an entry in ClinVar:

NC_012920.1(MT-CO3):m.9751T>C

Gene: MT-CO3 (mitochondrially encoded cytochrome c oxidase III; plus strand).
Variant type: single nucleotide variant.
Genome position: chrM-9751-T-C.
Identifiers: ClinVar variation 693215 (VCV000693215.1), dbSNP rs1603222471, ClinGen allele CA414803629.
Genomic context (GRCh38, chrMT:9,751, plus strand): 5'-CACTGCTTATTACAATTTTACTGGGTCTCTATTTTACCCTCCTACAAGCCTCAGAGTACT[T>C]CGAGTCTCCCTTCACCATTTCCGACGGCATCTACGGCTCAACATTTTTTGTAGCCACAGG-3'

ClinVar aggregate classification (germline): Likely benign (1 of 4 stars; one submission).

Conditions:
Leigh syndrome (NULS). Also called: Leigh's necrotizing encephalopathy; Leigh's disease; Leigh Syndrome (mtDNA deletion); Leigh Disease; Subacute necrotizing encephalopathy; Necrotizing encephalopathy infantile subacute of Leigh. Identifiers: Orphanet 506, MedGen C2931891, MONDO:0009723, OMIM 256000.

Submission:

Wong Mito Lab, Molecular and Human Genetics, Baylor College of Medicine
Classification: Likely benign for Leigh syndrome. Last evaluated: 2019-10-17. Review status: criteria provided, single submitter. Criteria: Modified ACMG Guidelines (Unpublished). Collection method: clinical testing. Allele origin: germline.
Comment: The NC_012920.1:m.9751T>C (YP_003024032.1:p.Phe182Ser) variant in MTCO3 gene is interpretated to be a Likely Benign variant based on the modified ACMG guidelines (unpublished). This variant meets the following evidence codes: BP4, BP5